The following is an entry in ClinVar:

ClinVar aggregate classification (germline): Likely benign. Review status: criteria provided, multiple submitters, no conflicts (2 of 4 stars). 2 submissions from 2 submitters: Likely benign (2). Last evaluated 2025-10-12.

Conditions:
Tuberous sclerosis 1 (TSC1). Identifiers: Orphanet 805, MedGen C1854465, MONDO:0008612, OMIM 191100.

gnomAD v4.1: 3 of 1,614,050 alleles (0.00019%); highest among the groups gnomAD compares: East Asian, 0.0022%; no homozygotes.

Submissions (2):

Labcorp Genetics (formerly Invitae), Labcorp
Classification: Likely benign for Tuberous sclerosis 1. Last evaluated: 2025-10-12. Review status: criteria provided, single submitter. Criteria: Invitae Variant Classification Sherloc (09022015). Collection method: clinical testing. Allele origin: germline.

Myriad Genetics, Inc.
Classification: Likely benign for Tuberous sclerosis 1. Last evaluated: 2025-04-08. Review status: criteria provided, single submitter. Criteria: Myriad Autosomal Dominant, Autosomal Recessive and X-Linked Classification Criteria (2023). Collection method: clinical testing. Allele origin: unknown.
Comment: This variant is considered likely benign. This variant is intronic and is not expected to impact mRNA splicing.

NM_000368.5(TSC1):c.508+7A>T

Gene: TSC1 (TSC complex subunit 1; minus strand). Cytogenetic location: 9q34.13.
Variant type: single nucleotide variant.
Coding change: c.508+7A>T on transcript NM_000368.5 (MANE Select); 7 bases into the intron after coding-DNA position 508, A replaced by T.
Molecular consequence: intron variant.
Genome position (GRCh38, 1-based): chr9:132,923,341, T>A on the plus strand (A>T on the coding strand, the complement: TSC1 is on the minus strand). VCF-style: chr9-132923341-T-A. GRCh37 (hg19) VCF-style: chr9-135798728-T-A.
Other names: c.145+7A>T (NM_001362177.2); c.355+7A>T (NM_001162427.2); c.508+7A>T (NM_001162426.2).
Identifiers: ClinVar variation 1144215 (VCV001144215.10), dbSNP rs1846668543, ClinGen allele CA2499219733.
Genomic context (GRCh38, chr9:132,923,341, plus strand): 5'-GAGCAATTAATCAATAATGAAAGCATTCACCTCACAGGGCCCAACAGGTATATGAGGAGA[T>A]CTGTACCTGGTTTCTTCAGGCACCATGATGACAGACGGCCAAAAATGTCAAAGAAATCAA-3'